The following is an entry in ClinVar:

ClinVar aggregate classification (germline): Uncertain significance. Review status: criteria provided, multiple submitters, no conflicts (2 of 4 stars). 4 submissions from 4 submitters: Uncertain significance (4). Last evaluated 2025-08-17.

Conditions:
Cardiovascular phenotype. Identifiers: MedGen CN230736.
Familial isolated arrhythmogenic right ventricular dysplasia. Identifiers: Orphanet 217656, MedGen C4274968, MONDO:0016342.
Arrhythmogenic right ventricular dysplasia 11. Also called: ARRHYTHMOGENIC RIGHT VENTRICULAR DYSPLASIA, FAMILIAL, 11; Arrhythmogenic Right Ventricular Dysplasia/Cardiomyopathy11; Arrhythmogenic right ventricular dysplasia 11 with mild palmoplantar keratoderma and woolly hair. Identifiers: MedGen C1864850, MONDO:0012506, OMIM 610476.
Cardiomyopathy (CMYO). Also called: Cardiomyopathies. Identifiers: Orphanet 167848, MedGen C0878544, MONDO:0004994, HP:0001638. Inheritance: Various modes of inheritance.

gnomAD v4.1: 4 of 1,614,022 alleles (0.00025%); highest among the groups gnomAD compares: Non-Finnish European, 0.00025%; no homozygotes.

Submissions (4):

Labcorp Genetics (formerly Invitae), Labcorp
Classification: Uncertain significance for Arrhythmogenic right ventricular dysplasia 11. Last evaluated: 2025-08-17. Review status: criteria provided, single submitter. Criteria: Invitae Variant Classification Sherloc (09022015). Collection method: clinical testing. Allele origin: germline.
Comment: This sequence change replaces cysteine, which is neutral and slightly polar, with tyrosine, which is neutral and polar, at codon 142 of the DSC2 protein (p.Cys142Tyr). This variant is not present in population databases (gnomAD no frequency). This variant has not been reported in the literature in individuals affected with DSC2-related conditions. ClinVar contains an entry for this variant (Variation ID: 920438). Invitae Evidence Modeling of protein sequence and biophysical properties (such as structural, functional, and spatial information, amino acid conservation, physicochemical variation, residue mobility, and thermodynamic stability) indicates that this missense variant is not expected to disrupt DSC2 protein function with a negative predictive value of 80%. In summary, the available evidence is currently insufficient to determine the role of this variant in disease. Therefore, it has been classified as a Variant of Uncertain Significance.

Ambry Genetics
Classification: Uncertain significance for Cardiovascular phenotype. Last evaluated: 2024-12-17. Review status: criteria provided, single submitter. Criteria: Ambry Variant Classification Scheme 2023. Collection method: clinical testing. Allele origin: germline.
Comment: The p.C142Y variant (also known as c.425G>A), located in coding exon 4 of the DSC2 gene, results from a G to A substitution at nucleotide position 425. The cysteine at codon 142 is replaced by tyrosine, an amino acid with highly dissimilar properties. This amino acid position is conserved. In addition, the in silico prediction for this alteration is inconclusive. Based on the available evidence, the clinical significance of this variant remains unclear.

All of Us Research Program, National Institutes of Health
Classification: Uncertain significance for Familial isolated arrhythmogenic right ventricular dysplasia. Last evaluated: 2024-05-30. Review status: criteria provided, single submitter. Criteria: ACMG Guidelines, 2015. Collection method: clinical testing. Allele origin: germline. Inheritance: Autosomal dominant inheritance. Observed: 2 variant alleles, 2 heterozygotes.
Comment: This missense variant replaces cysteine with tyrosine at codon 142 of the DSC2 protein. Computational prediction tools and conservation analyses are inconclusive regarding the impact of this variant on the protein function. Computational splicing tools suggest that this variant may not impact RNA splicing. To our knowledge, functional assays have not been performed for this variant nor has this variant been reported in individuals affected with cardiovascular disorders in the literature. This variant has not been identified in the general population by the Genome Aggregation Database (gnomAD). Available evidence is insufficient to determine the role of this variant in disease conclusively. Therefore, this variant is classified as a Variant of Uncertain Significance.

This study involves interpretation of variants in research participants for the purpose of population health screening. Participant phenotype was not available at the time of variant classification. Additional details can be found in publication PMID: 35346344, PMCID: PMC8962531

Color Diagnostics, LLC DBA Color Health
Classification: Uncertain significance for Cardiomyopathy. Last evaluated: 2024-05-13. Review status: criteria provided, single submitter. Criteria: ACMG Guidelines, 2015. Collection method: clinical testing. Allele origin: germline.
Comment: This missense variant replaces cysteine with tyrosine at codon 142 of the DSC2 protein. Computational prediction suggests that this variant may not impact protein structure and function (internally defined REVEL score threshold <= 0.5, PMID: 27666373). To our knowledge, functional studies have not been reported for this variant. This variant has not been reported in individuals affected with DSC2-related disorders in the literature. This variant has not been identified in the general population by the Genome Aggregation Database (gnomAD). The available evidence is insufficient to determine the role of this variant in disease conclusively. Therefore, this variant is classified as a Variant of Uncertain Significance.

NM_024422.6(DSC2):c.425G>A (p.Cys142Tyr)

Gene: DSC2 (desmocollin 2; minus strand). Cytogenetic location: 18q12.1.
Variant type: single nucleotide variant.
Coding change: c.425G>A on transcript NM_024422.6 (MANE Select); coding-DNA position 425, G replaced by A.
Protein change: p.Cys142Tyr; replaces cysteine 142 with tyrosine.
Molecular consequence: missense variant.
Genome position (GRCh38, 1-based): chr18:31,091,077, C>T on the plus strand (G>A on the coding strand, the complement: DSC2 is on the minus strand). VCF-style: chr18-31091077-C-T. GRCh37 (hg19) VCF-style: chr18-28671040-C-T.
Other names: c.425G>A, p.Cys142Tyr (NM_004949.5); short protein forms C142Y.
Identifiers: ClinVar variation 920438 (VCV000920438.8), dbSNP rs1478081073, ClinGen allele CA402114241.